The following is an entry in ClinVar:

ClinVar aggregate classification (germline): Likely benign (1 of 4 stars; one submission).

gnomAD v4.1: 142 of 1,612,338 alleles (0.0088%); highest among the groups gnomAD compares: Non-Finnish European, 0.011%; no homozygotes.

Submissions (2):

CeGaT Center for Human Genetics Tuebingen
Classification: Likely benign. Last evaluated: 2025-11-01. Review status: criteria provided, single submitter. Criteria: CeGaT Center For Human Genetics Tuebingen Variant Classification Criteria Version 2. Collection method: clinical testing. Allele origin: germline. Affected: yes. Observed: 1 variant allele.
Comment: WDR81: BP4, BP7

Dr. Peter K. Rogan Lab, Western University
No classification provided (evidence only). Condition: Colon adenocarcinoma. Review status: no classification provided. Collection method: in vitro. Allele origin: not applicable. Functional consequence: retained intron. Not counted in ClinVar's aggregate classification.

NM_001163809.2(WDR81):c.3447C>T (p.Ser1149=)

Gene: WDR81 (WD repeat domain 81; plus strand). Cytogenetic location: 17p13.3.
Variant type: single nucleotide variant.
Coding change: c.3447C>T on transcript NM_001163809.2 (MANE Select); coding-DNA position 3447, C replaced by T.
Protein change: p.Ser1149=; no amino-acid change (serine 1149 retained).
Molecular consequence: synonymous variant. On other transcripts: intron variant (2).
Genome position (GRCh38, 1-based): chr17:1,728,406, C>T. VCF-style: chr17-1728406-C-T. GRCh37 (hg19) VCF-style: chr17-1631700-C-T.
Other names: NC_000017.10:g.1631700C>T; c.294C>T, p.Ser98= (NM_152348.4); c.59-1974C>T (NM_001163673.2); c.-14-1974C>T (NM_001163811.2).
Identifiers: ClinVar variation 4418004 (VCV004418004.7).